The following is an entry in ClinVar:

ClinVar aggregate classification (germline): Likely benign. Review status: criteria provided, multiple submitters, no conflicts (2 of 4 stars). 3 submissions from 3 submitters: Likely benign (2). 1 of the submissions does not count toward it. Last evaluated 2026-05-11.

Conditions:
NF1-related disorder. Also called: NF1-related condition. Identifiers: MedGen CN379171.
Neurofibromatosis, type 1 (NF1). Also called: VON RECKLINGHAUSEN DISEASE; Neurofibromatosis, type I; NEUROFIBROMATOSIS, TYPE I, SOMATIC; Peripheral type neurofibromatosis. Identifiers: Orphanet 636, MedGen C0027831, MONDO:0018975, OMIM 162200. Disease mechanism: loss of function.

Allele frequency attached by ClinVar (database versions not stated): gnomAD exomes below 0.00001; TOPMed 0.00001.
gnomAD v4.1: 1 of 1,611,388 alleles (0.000062%); highest among the groups gnomAD compares: Non-Finnish European, 0.000085%; no homozygotes.

Submissions (3):

Myriad Genetics, Inc.
Classification: Likely benign for Neurofibromatosis, type 1. Last evaluated: 2026-05-11. Review status: criteria provided, single submitter. Criteria: Myriad Autosomal Dominant, Autosomal Recessive and X-Linked Classification Criteria (2023). Collection method: clinical testing. Allele origin: unknown.
Comment: This variant is considered likely benign. This variant is intronic and is not expected to impact mRNA splicing.

Labcorp Genetics (formerly Invitae), Labcorp
Classification: Likely benign for Neurofibromatosis, type 1. Last evaluated: 2025-11-05. Review status: criteria provided, single submitter. Criteria: Invitae Variant Classification Sherloc (09022015). Collection method: clinical testing. Allele origin: germline.

PreventionGenetics, part of Exact Sciences
Classification: Likely benign for NF1-related condition. Last evaluated: 2024-06-08. Review status: no assertion criteria provided. Collection method: clinical testing. Allele origin: germline. Not counted in ClinVar's aggregate classification.
Comment: This variant is classified as likely benign based on ACMG/AMP sequence variant interpretation guidelines (Richards et al. 2015 PMID: 25741868, with internal and published modifications).

NM_001042492.3(NF1):c.587-14T>C

Gene: NF1 (neurofibromin 1; plus strand). Cytogenetic location: 17q11.2.
Variant type: single nucleotide variant.
Coding change: c.587-14T>C on transcript NM_001042492.3 (MANE Select); 14 bases into the intron before coding-DNA position 587, T replaced by C.
Molecular consequence: intron variant.
Genome position (GRCh38, 1-based): chr17:31,181,408, T>C. VCF-style: chr17-31181408-T-C. GRCh37 (hg19) VCF-style: chr17-29508426-T-C.
Other names: c.587-14T>C (NM_000267.4, NM_001128147.3).
Identifiers: ClinVar variation 1593608 (VCV001593608.10), dbSNP rs940581106, ClinGen allele CA289334433.